The following is an entry in ClinVar:

ClinVar aggregate classification (germline): Uncertain significance. Review status: criteria provided, multiple submitters, no conflicts (2 of 4 stars). 2 submissions from 2 submitters: Uncertain significance (2). Last evaluated 2025-08-04.

Conditions:
Inborn genetic diseases. Identifiers: MedGen C0950123, MeSH D030342.

Allele frequency attached by ClinVar (database versions not stated): gnomAD 0.00001; TOPMed 0.00001; gnomAD exomes 0.00002; ExAC 0.00005.
gnomAD v4.1: 40 of 1,613,356 alleles (0.0025%); highest among the groups gnomAD compares: South Asian, 0.04%; no homozygotes.

Submissions (2):

Labcorp Genetics (formerly Invitae), Labcorp
Classification: Uncertain significance. Last evaluated: 2025-08-04. Review status: criteria provided, single submitter. Criteria: Invitae Variant Classification Sherloc (09022015). Collection method: clinical testing. Allele origin: germline.
Comment: This sequence change replaces glutamic acid, which is acidic and polar, with glycine, which is neutral and non-polar, at codon 656 of the C2CD3 protein (p.Glu656Gly). This variant is present in population databases (rs573647540, gnomAD 0.06%). This variant has not been reported in the literature in individuals affected with C2CD3-related conditions. ClinVar contains an entry for this variant (Variation ID: 2517718). Invitae Evidence Modeling of protein sequence and biophysical properties (such as structural, functional, and spatial information, amino acid conservation, physicochemical variation, residue mobility, and thermodynamic stability) has been performed for this missense variant. However, the output from this modeling did not meet the statistical confidence thresholds required to predict the impact of this variant on C2CD3 protein function. In summary, the available evidence is currently insufficient to determine the role of this variant in disease. Therefore, it has been classified as a Variant of Uncertain Significance.

Ambry Genetics
Classification: Uncertain significance for Inborn genetic diseases. Last evaluated: 2023-06-06. Review status: criteria provided, single submitter. Criteria: Ambry Variant Classification Scheme 2023. Collection method: clinical testing. Allele origin: germline.

NM_001286577.2(C2CD3):c.1967A>G (p.Glu656Gly)

Gene: C2CD3 (C2 domain containing 3 centriole elongation regulator; minus strand). Cytogenetic location: 11q13.4.
Variant type: single nucleotide variant.
Coding change: c.1967A>G on transcript NM_001286577.2 (MANE Select); coding-DNA position 1967, A replaced by G.
Protein change: p.Glu656Gly; replaces glutamic acid 656 with glycine.
Molecular consequence: missense variant.
Genome position (GRCh38, 1-based): chr11:74,106,489, T>C on the plus strand (A>G on the coding strand, the complement: C2CD3 is on the minus strand). VCF-style: chr11-74106489-T-C. GRCh37 (hg19) VCF-style: chr11-73817534-T-C.
Other names: c.1967A>G, p.Glu656Gly (NM_015531.6); short protein forms E656G.
Identifiers: ClinVar variation 2517718 (VCV002517718.3), dbSNP rs573647540, ClinGen allele CA6182750.